The following is an entry in ClinVar:

ClinVar aggregate classification (germline): Uncertain significance (1 of 4 stars; one submission).

Submission:

GeneDx
Classification: Uncertain significance. Last evaluated: 2022-04-13. Review status: criteria provided, single submitter. Criteria: GeneDx Variant Classification Process June 2021. Collection method: clinical testing. Allele origin: germline. Affected: yes.
Comment: Not observed at significant frequency in large population cohorts (gnomAD); In silico analysis supports that this missense variant does not alter protein structure/function; Has not been previously published as pathogenic or benign to our knowledge; This variant is associated with the following publications: (PMID: 19245665)

NM_003079.5(SMARCE1):c.1063C>A (p.Gln355Lys)

Gene: SMARCE1 (SWI/SNF related BAF chromatin remodeling complex subunit E1; minus strand). Cytogenetic location: 17q21.2.
Variant type: single nucleotide variant.
Coding change: c.1063C>A on transcript NM_003079.5 (MANE Select); coding-DNA position 1063, C replaced by A.
Protein change: p.Gln355Lys; replaces glutamine 355 with lysine.
Molecular consequence: missense variant.
Genome position (GRCh38, 1-based): chr17:40,628,958, G>T on the plus strand (C>A on the coding strand, the complement: SMARCE1 is on the minus strand). VCF-style: chr17-40628958-G-T. GRCh37 (hg19) VCF-style: chr17-38785210-G-T.
Other names: short protein forms Q355K.
Identifiers: ClinVar variation 1710590 (VCV001710590.2), dbSNP rs2508592855, ClinGen allele CA399361643.
Genomic context (GRCh38, chr17:40,628,958, plus strand): 5'-CGACCCCCTCCTGCCCACTCTCCTTGTCCTCAGGAGTAGACGTGCCTTCTTCACCATTCT[G>T]TTGGCTCTCTGTTGTTTCTTCAAGGTGTGTCTCCTCTGTAATCACACATTTGTCACTGTC-3'
Protein context (NP_003070.3, residues 345-365): THLEETTESQ[Gln355Lys]NGEEGTSTPE